The following is an entry in ClinVar:

NM_000548.5(TSC2):c.2993C>T (p.Ala998Val)

Gene: TSC2 (TSC complex subunit 2; plus strand). Cytogenetic location: 16p13.3.
Variant type: single nucleotide variant.
Coding change: c.2993C>T on transcript NM_000548.5 (MANE Select); coding-DNA position 2993, C replaced by T.
Protein change: p.Ala998Val; replaces alanine 998 with valine.
Molecular consequence: missense variant.
Genome position (GRCh38, 1-based): chr16:2,079,058, C>T. VCF-style: chr16-2079058-C-T. GRCh37 (hg19) VCF-style: chr16-2129059-C-T.
Other names: c.2861C>T, p.Ala954Val (NM_001077183.3, NM_001370404.1); c.2993C>T, p.Ala998Val (NM_001114382.3); c.2753C>T, p.Ala918Val (NM_001318827.2); c.2717C>T, p.Ala906Val (NM_001318829.2); c.2261C>T, p.Ala754Val (NM_001318831.2); c.2894C>T, p.Ala965Val (NM_001318832.2); c.2864C>T, p.Ala955Val (NM_001363528.2, NM_001370405.1, NM_021055.3); short protein forms A955V, A998V, A918V, A954V, A965V, A754V, A906V.
Identifiers: ClinVar variation 862238 (VCV000862238.11), dbSNP rs2089790275, ClinGen allele CA394283702.
Genomic context (GRCh38, chr16:2,079,058, plus strand): 5'-GCACCCTGACCCTGGTCACGGCCTCTCCCTCCAGCAGGATACAGACGTCCCTCACCAGTG[C>T]CAGCTTGGGGTCTGCAGATGAGAACTCCGTGGCCCAGGCTGACGATAGCCTGAAAAACCT-3'
Protein context (NP_000539.2, residues 988-1008): RSRIQTSLTS[Ala998Val]SLGSADENSV

ClinVar aggregate classification (germline): Uncertain significance. Review status: criteria provided, multiple submitters, no conflicts (2 of 4 stars). 3 submissions from 3 submitters: Uncertain significance (3). Last evaluated 2025-08-10.

Conditions:
Hereditary cancer-predisposing syndrome. Also called: Tumor predisposition; Hereditary Cancer Syndrome; Neoplastic Syndromes, Hereditary; Hereditary neoplastic syndrome. Identifiers: Orphanet 140162, MedGen C0027672, MeSH D009386, MONDO:0015356.
Tuberous sclerosis 2 (TSC2). Identifiers: Orphanet 805, MedGen C1860707, MONDO:0013199, OMIM 613254.

Allele frequency attached by ClinVar (database versions not stated): gnomAD exomes below 0.00001.
gnomAD v4.1: 1 of 1,612,926 alleles (0.000062%); highest among the groups gnomAD compares: African/African-American, 0.0013%; no homozygotes.

Submissions (3):

Ambry Genetics
Classification: Uncertain significance for Hereditary cancer-predisposing syndrome. Last evaluated: 2025-08-10. Review status: criteria provided, single submitter. Criteria: Ambry Variant Classification Scheme 2023. Collection method: clinical testing. Allele origin: germline.
Comment: The p.A998V variant (also known as c.2993C>T), located in coding exon 26 of the TSC2 gene, results from a C to T substitution at nucleotide position 2993. The alanine at codon 998 is replaced by valine, an amino acid with similar properties. This amino acid position is conserved. In addition, the in silico prediction for this alteration is inconclusive. Based on the available evidence, the clinical significance of this variant remains unclear.

GeneDx
Classification: Uncertain significance. Last evaluated: 2024-01-12. Review status: criteria provided, single submitter. Criteria: GeneDx Variant Classification Process June 2021. Collection method: clinical testing. Allele origin: germline. Affected: yes.
Comment: Not observed at significant frequency in large population cohorts (gnomAD); In silico analysis supports that this missense variant does not alter protein structure/function; Has not been previously published as pathogenic or benign to our knowledge

Labcorp Genetics (formerly Invitae), Labcorp
Classification: Uncertain significance for Tuberous sclerosis 2. Last evaluated: 2022-10-05. Review status: criteria provided, single submitter. Criteria: Invitae Variant Classification Sherloc (09022015). Collection method: clinical testing. Allele origin: germline.
Comment: Advanced modeling of protein sequence and biophysical properties (such as structural, functional, and spatial information, amino acid conservation, physicochemical variation, residue mobility, and thermodynamic stability) performed at Invitae indicates that this missense variant is not expected to disrupt TSC2 protein function. In summary, the available evidence is currently insufficient to determine the role of this variant in disease. Therefore, it has been classified as a Variant of Uncertain Significance. ClinVar contains an entry for this variant (Variation ID: 862238). This variant has not been reported in the literature in individuals affected with TSC2-related conditions. This variant is not present in population databases (gnomAD no frequency). This sequence change replaces alanine, which is neutral and non-polar, with valine, which is neutral and non-polar, at codon 998 of the TSC2 protein (p.Ala998Val).